The following is an entry in ClinVar:

NM_000059.4(BRCA2):c.3005A>C (p.Asn1002Thr)

Gene: BRCA2 (BRCA2 DNA repair associated; plus strand). Cytogenetic location: 13q13.1.
Variant type: single nucleotide variant.
Coding change: c.3005A>C on transcript NM_000059.4 (MANE Select); coding-DNA position 3005, A replaced by C.
Protein change: p.Asn1002Thr; replaces asparagine 1002 with threonine.
Molecular consequence: missense variant.
Genome position (GRCh38, 1-based): chr13:32,337,360, A>C. VCF-style: chr13-32337360-A-C. GRCh37 (hg19) VCF-style: chr13-32911497-A-C.
Other names: p.N1002T:AAT>ACT; short protein forms N1002T.
Identifiers: ClinVar variation 182193 (VCV000182193.30), dbSNP rs730881518, ClinGen allele CA017026.

ClinVar aggregate classification (germline): Conflicting classifications of pathogenicity. Review status: criteria provided, conflicting classifications (1 of 4 stars). 10 submissions from 10 submitters: Uncertain significance (9); Likely benign (1). Last evaluated 2025-12-23.

Conditions:
Familial cancer of breast. Also called: Hereditary breast cancer; hereditary breast carcinoma; BREAST CANCER, FAMILIAL. Identifiers: Orphanet 227535, MedGen C0346153, MONDO:0016419, OMIM 114480. Disease mechanism: loss of function.
Breast-ovarian cancer, familial, susceptibility to, 2 (BROVCA2). Also called: BRCA2 Hereditary Breast and Ovarian Cancer. Identifiers: Orphanet 145, MedGen C2675520, MONDO:0012933, OMIM 612555. Disease mechanism: loss of function.
Wilms tumor 1 (WT1). Also called: Wilms tumor, somatic. Identifiers: Orphanet 654, MedGen CN033288, MONDO:0008679, OMIM 194070.
Pancreatic cancer, susceptibility to, 2. Identifiers: Orphanet 1333, MedGen C3150546, MONDO:0013235, OMIM 613347.
Glioma susceptibility 3 (GLM3). Also called: Glioblastoma 3. Identifiers: Orphanet 182067, Orphanet 360, MedGen C2751641, MONDO:0013093, OMIM 613029.
Familial prostate cancer. Also called: Hereditary Prostate Cancer. Identifiers: MedGen C2931456, MONDO:0700275, OMIM 176807.
Fanconi anemia complementation group D1. Also called: BRCA2-Related Fanconi Anemia. Identifiers: Orphanet 319462, MedGen C1838457, MONDO:0011584, OMIM 605724.
Medulloblastoma (MDB). Also called: MEDULLOBLASTOMA PREDISPOSITION SYNDROME; Medulloblastoma, somatic. Identifiers: Orphanet 616, MedGen C0025149, MeSH D008527, MONDO:0007959, OMIM 155255, HP:0002885.
Hereditary cancer-predisposing syndrome. Also called: Hereditary Cancer Syndrome; Neoplastic Syndromes, Hereditary; Tumor predisposition; Hereditary neoplastic syndrome. Identifiers: Orphanet 140162, MedGen C0027672, MeSH D009386, MONDO:0015356.
Hereditary breast ovarian cancer syndrome. Also called: Hereditary breast and ovarian cancer; Hereditary breast and ovarian cancer syndrome (HBOC); Hereditary breast and/or ovarian cancer syndrome; Hereditary breast and ovarian cancer syndrome; Breast and ovarian cancer; BRCA1- and BRCA2-Associated Hereditary Breast and Ovarian Cancer. Identifiers: Orphanet 145, MedGen C0677776, MeSH D061325, MONDO:0003582. Disease mechanism: loss of function.

Allele frequency attached by ClinVar (database versions not stated): gnomAD exomes below 0.00001; gnomAD 0.00001; TOPMed 0.00002.
gnomAD v4.1: 4 of 1,613,770 alleles (0.00025%); highest among the groups gnomAD compares: Admixed American, 0.0067%; no homozygotes.

Submissions (10):

Labcorp Genetics (formerly Invitae), Labcorp
Classification: Uncertain significance for Hereditary breast ovarian cancer syndrome. Last evaluated: 2025-12-23. Review status: criteria provided, single submitter. Criteria: Invitae Variant Classification Sherloc (09022015). Collection method: clinical testing. Allele origin: germline.
Comment: This sequence change replaces asparagine, which is neutral and polar, with threonine, which is neutral and polar, at codon 1002 of the BRCA2 protein (p.Asn1002Thr). The frequency data for this variant in the population databases is considered unreliable, as metrics indicate poor data quality at this position in the gnomAD database. This missense change has been observed in individual(s) with breast cancer (PMID: 34196900). ClinVar contains an entry for this variant (Variation ID: 182193). Invitae Evidence Modeling of protein sequence and biophysical properties (such as structural, functional, and spatial information, amino acid conservation, physicochemical variation, residue mobility, and thermodynamic stability) indicates that this missense variant is not expected to disrupt BRCA2 protein function with a negative predictive value of 95%. In summary, the available evidence is currently insufficient to determine the role of this variant in disease. Therefore, it has been classified as a Variant of Uncertain Significance.

Color Diagnostics, LLC DBA Color Health
Classification: Uncertain significance for Hereditary cancer-predisposing syndrome. Last evaluated: 2025-11-18. Review status: criteria provided, single submitter. Criteria: ACMG Guidelines, 2015. Collection method: clinical testing. Allele origin: germline.
Comment: This missense variant replaces asparagine with threonine at codon 1002 of the BRCA2 protein. Computational prediction suggests that this variant may not impact protein structure and function. To our knowledge, functional studies have not been reported for this variant. This variant has been reported in one individual affected with breast cancer (PMID: 34196900). A multifactorial analysis has reported a likelihood ratio of 0.825 based on the personal and family history for one carrier (PMID: 31853058). This variant has not been identified in the general population by the Genome Aggregation Database (gnomAD). The available evidence is insufficient to determine the role of this variant in disease conclusively. Therefore, this variant is classified as a Variant of Uncertain Significance.

Women's Health and Genetics/Laboratory Corporation of America, LabCorp
Classification: Uncertain significance. Last evaluated: 2025-04-07. Review status: criteria provided, single submitter. Criteria: LabCorp Variant Classification Summary - May 2015. Collection method: clinical testing. Allele origin: germline.
Comment: Variant summary: BRCA2 c.3005A>C (p.Asn1002Thr) results in a non-conservative amino acid change located in the BRCA2 repeat (IPR002093) of the encoded protein sequence. Three of five in-silico tools predict a damaging effect of the variant on protein function. The variant was absent in 250684 control chromosomes. The available data on variant occurrences in the general population are insufficient to allow any conclusion about variant significance. c.3005A>C has been reported in an individual affected with Breast Cancer (e.g. Ren_2021). This report does not provide unequivocal conclusions about association of the variant with Hereditary Breast And Ovarian Cancer Syndrome. To our knowledge, no experimental evidence demonstrating an impact on protein function has been reported. The following publication has been ascertained in the context of this evaluation (PMID: 34196900). ClinVar contains an entry for this variant (Variation ID: 182193). Based on the evidence outlined above, the variant was classified as uncertain significance.

Ambry Genetics
Classification: Uncertain significance for Hereditary cancer-predisposing syndrome. Last evaluated: 2024-07-23. Review status: criteria provided, single submitter. Criteria: Ambry Variant Classification Scheme 2023. Collection method: clinical testing. Allele origin: germline.
Comment: The p.N1002T variant (also known as c.3005A>C), located in coding exon 10 of the BRCA2 gene, results from an A to C substitution at nucleotide position 3005. The asparagine at codon 1002 is replaced by threonine, an amino acid with similar properties. This amino acid position is not well conserved in available vertebrate species. In addition, the in silico prediction for this alteration is inconclusive. Based on the available evidence, the clinical significance of this variant remains unclear.

Quest Diagnostics Nichols Institute San Juan Capistrano
Classification: Uncertain significance. Last evaluated: 2024-05-06. Review status: criteria provided, single submitter. Criteria: Quest Diagnostics criteria. Collection method: clinical testing. Allele origin: unknown.
Comment: The BRCA2 c.3005A>C (p.Asn1002Thr) variant has been reported in the published literature in an individual with breast cancer (PMID: 34196900 (2021)), and described to be located in a region of the BRCA2 gene that is tolerant to missense sequence changes (PMID: 31911673 (2020)). The frequency of this variant in the general population, 0.000032 (1/31404 chromosomes (Genome Aggregation Database)), is uninformative in the assessment of its pathogenicity. Analysis of this variant using bioinformatics tools for the prediction of the effect of amino acid changes on protein structure and function yielded conflicting predictions that this variant is benign or damaging. Based on the available information, we are unable to determine the clinical significance of this variant.

Fulgent Genetics
Classification: Uncertain significance for Familial cancer of breast; Medulloblastoma; Familial prostate cancer; Wilms tumor 1; Fanconi anemia complementation group D1; Breast-ovarian cancer, familial, susceptibility to, 2; Glioma susceptibility 3; Pancreatic cancer, susceptibility to, 2. Last evaluated: 2024-02-22. Review status: criteria provided, single submitter. Criteria: ACMG Guidelines, 2015. Collection method: clinical testing. Allele origin: germline.

University of Washington Department of Laboratory Medicine, University of Washington
Classification: Likely benign for Hereditary cancer-predisposing syndrome. Last evaluated: 2023-03-23. Review status: criteria provided, single submitter. Criteria: Dines et al. (Genet Med. 2020). Collection method: curation. Allele origin: germline.
Comment: Missense variant in a coldspot region where missense variants are very unlikely to be pathogenic (PMID:31911673).

BRCA2 exon 11 coldspot. Reclassification based on statistical prior probability.

ARUP Laboratories, Molecular Genetics and Genomics, ARUP Laboratories
Classification: Uncertain significance. Last evaluated: 2022-05-02. Review status: criteria provided, single submitter. Criteria: ARUP Molecular Germline Variant Investigation Process 2021. Collection method: clinical testing. Allele origin: germline.
Comment: The BRCA2 c.3005A>C; p.Asn1002Thr variant (rs730881518), to our knowledge, is not reported in the medical literature but is reported in ClinVar (Variation ID: 182193). This variant is only observed on one allele in the Genome Aggregation Database, indicating it is not a common polymorphism. The asparagine at codon 1002 is weakly conserved, but computational analyses are uncertain whether this variant is neutral or deleterious (REVEL: 0.387). Due to limited information, the clinical significance of this variant is uncertain at this time.

Sema4
Classification: Uncertain significance for Hereditary cancer-predisposing syndrome. Last evaluated: 2021-12-09. Review status: criteria provided, single submitter. Criteria: Sema4 Curation Guidelines. Collection method: curation. Allele origin: germline.
Comment: The BRCA2 c.3005A>C (p.N1002T) variant has not been reported in the literature to our knowledge. It was observed in 1/848 chromosomes of the Latino/Admixed American subpopulation, in the large and broad cohorts of the Genome Aggregation Database (PMID: 32461654). This variant has been reported in ClinVar (Variation ID: 182193). Functional studies have not been performed, and in silico predictions of the variant's effect on protein function are inconclusive. The evidence is insufficient to meet ACMG/AMP criteria for classifying the variant as benign or pathogenic. Thus, the clinical significance of this variant is currently uncertain.

GeneDx
Classification: Uncertain significance. Last evaluated: 2020-10-19. Review status: criteria provided, single submitter. Criteria: GeneDx Variant Classification Process June 2021. Collection method: clinical testing. Allele origin: germline. Affected: yes.
Comment: Protein-based in silico analysis supports a deleterious effect. In addition, splice predictors suggest this variant may impact gene splicing. In the absence of RNA or functional studies, the actual effect of this sequence change is unknown.; Not observed in large population cohorts (Lek 2016); Has not been previously published as pathogenic or benign to our knowledge; Also known as 3233A>C

Literature cited by the submitters: PubMed 34196900 (cited by 4 submitters); PubMed 31853058 (cited by Color Diagnostics, LLC DBA Color Health); PubMed 31911673 (cited by Quest Diagnostics Nichols Institute San Juan Capistrano).